The following is an entry in ClinVar:

ClinVar aggregate classification (germline): Uncertain significance (1 of 4 stars; one submission).

Conditions:
Cardiovascular phenotype. Identifiers: MedGen CN230736.

Submission:

Ambry Genetics
Classification: Uncertain significance for Cardiovascular phenotype. Last evaluated: 2026-07-07. Review status: criteria provided, single submitter. Criteria: Ambry Variant Classification Scheme 2023. Collection method: clinical testing. Allele origin: germline.
Comment: The p.S3943P variant (also known as c.11827T>C), located in coding exon 27 of the APOB gene, results from a T to C substitution at nucleotide position 11827. The serine at codon 3943 is replaced by proline, an amino acid with similar properties. This amino acid position is conserved. In addition, this alteration is predicted to be tolerated by in silico analysis. Based on the available evidence, the clinical significance of this variant remains unclear.

NM_000384.3(APOB):c.11827T>C (p.Ser3943Pro)

Gene: APOB (apolipoprotein B; minus strand). Cytogenetic location: 2p24.1.
Variant type: single nucleotide variant.
Coding change: c.11827T>C on transcript NM_000384.3 (MANE Select); coding-DNA position 11827, T replaced by C.
Protein change: p.Ser3943Pro; replaces serine 3943 with proline.
Molecular consequence: missense variant.
Genome position (GRCh38, 1-based): chr2:21,004,637, A>G on the plus strand (T>C on the coding strand, the complement: APOB is on the minus strand). VCF-style: chr2-21004637-A-G. GRCh37 (hg19) VCF-style: chr2-21227509-A-G.
Other names: short protein forms S3943P.
Identifiers: ClinVar variation 5027577 (VCV005027577.1), dbSNP rs1663079785.
Genomic context (GRCh38, chr2:21,004,637, plus strand): 5'-TGCCATCTTCTTCATATTCTGCACTGAAGTCACGGTGTGCAAATGTTCCTTTAGTCTTAG[A>G]GGCTAACGTACCATCTTCGATTTTGTGTGTTCCCAAAACTGTATAGGAGAGATTTTGTAT-3'
Protein context (NP_000375.3, residues 3933-3953): THKIEDGTLA[Ser3943Pro]KTKGTFAHRD